The following is an entry in ClinVar:

ClinVar aggregate classification (germline): Uncertain significance. Review status: criteria provided, single submitter (1 of 4 stars). 2 submissions from 2 submitters: Uncertain significance (1). 1 of the submissions does not count toward it. Last evaluated 2021-08-31.

Conditions:
Granulomatous disease, chronic, autosomal recessive, cytochrome b-negative. Also called: CGD DUE TO DEFICIENCY OF THE ALPHA SUBUNIT OF CYTOCHROME b; CGD, AUTOSOMAL RECESSIVE CYTOCHROME b-NEGATIVE; CYBA DEFICIENCY; GRANULOMATOUS DISEASE, CHRONIC, AUTOSOMAL RECESSIVE, 4; Chronic granulomatous disease, autosomal, due to deficiency of CYBA. Identifiers: Orphanet 379, MedGen C1856255, MONDO:0009308, OMIM 233690.
Chronic granulomatous disease. Identifiers: Orphanet 379, MedGen C0018203, MONDO:0018305.

Allele frequency attached by ClinVar (database versions not stated): gnomAD 0.00001 and 0.00002; TOPMed 0.00002.

Submissions (2):

Labcorp Genetics (formerly Invitae), Labcorp
Classification: Uncertain significance for Granulomatous disease, chronic, autosomal recessive, cytochrome b-negative. Last evaluated: 2021-08-31. Review status: criteria provided, single submitter. Criteria: Invitae Variant Classification Sherloc (09022015). Collection method: clinical testing. Allele origin: germline.
Comment: This sequence change replaces proline with leucine at codon 142 of the CYBA protein (p.Pro142Leu). The proline residue is highly conserved and there is a moderate physicochemical difference between proline and leucine. The frequency data for this variant in the population databases is considered unreliable, as metrics indicate insufficient coverage at this position in the ExAC database. This variant has not been reported in the literature in individuals affected with CYBA-related conditions. Algorithms developed to predict the effect of missense changes on protein structure and function output the following: SIFT: "Deleterious"; PolyPhen-2: "Possibly Damaging"; Align-GVGD: "Class C0". The leucine amino acid residue is found in multiple mammalian species, which suggests that this missense change does not adversely affect protein function. In summary, the available evidence is currently insufficient to determine the role of this variant in disease. Therefore, it has been classified as a Variant of Uncertain Significance.

Natera, Inc.
Classification: Uncertain significance for Chronic granulomatous disease. Last evaluated: 2020-12-01. Review status: no assertion criteria provided. Collection method: clinical testing. Allele origin: germline. Not counted in ClinVar's aggregate classification.

NM_000101.4(CYBA):c.425C>T (p.Pro142Leu)

Gene: CYBA (cytochrome b-245 alpha chain; minus strand). Cytogenetic location: 16q24.2.
Variant type: single nucleotide variant.
Coding change: c.425C>T on transcript NM_000101.4 (MANE Select); coding-DNA position 425, C replaced by T.
Protein change: p.Pro142Leu; replaces proline 142 with leucine.
Molecular consequence: missense variant.
Genome position (GRCh38, 1-based): chr16:88,643,516, G>A on the plus strand (C>T on the coding strand, the complement: CYBA is on the minus strand). VCF-style: chr16-88643516-G-A. GRCh37 (hg19) VCF-style: chr16-88709924-G-A.
Other names: short protein forms P142L.
Identifiers: ClinVar variation 1004956 (VCV001004956.7), dbSNP rs909600062, ClinGen allele CA286348362.